The following is an entry in ClinVar:

ClinVar aggregate classification (germline): Uncertain significance (0 of 4 stars; one submission).

Conditions:
KATNAL2-related disorder. Also called: KATNAL2-related condition.

Allele frequency attached by ClinVar (database versions not stated): TOPMed below 0.00001.
gnomAD v4.1: 6 of 1,613,740 alleles (0.00037%); highest among the groups gnomAD compares: Admixed American, 0.01%; no homozygotes.

Submission:

PreventionGenetics, part of Exact Sciences
Classification: Uncertain significance for KATNAL2-related condition. Last evaluated: 2024-02-27. Review status: no assertion criteria provided. Collection method: clinical testing. Allele origin: germline.
Comment: The KATNAL2 c.1166A>G variant is predicted to result in the amino acid substitution p.Glu389Gly. To our knowledge, this variant has not been reported in the literature. This variant is reported in 0.0058% of alleles in individuals of Latino descent in gnomAD. At this time, the clinical significance of this variant is uncertain due to the absence of conclusive functional and genetic evidence.

NM_001387690.1(KATNAL2):c.1382A>G (p.Glu461Gly)

Gene: KATNAL2 (katanin catalytic subunit A1 like 2; plus strand). Cytogenetic location: 18q21.1.
Variant type: single nucleotide variant.
Coding change: c.1382A>G on transcript NM_001387690.1 (MANE Select); coding-DNA position 1382, A replaced by G.
Protein change: p.Glu461Gly; replaces glutamic acid 461 with glycine.
Molecular consequence: missense variant. On other transcripts: non-coding transcript variant (1).
Genome position (GRCh38, 1-based): chr18:47,100,261, A>G. VCF-style: chr18-47100261-A-G. GRCh37 (hg19) VCF-style: chr18-44626632-A-G.
Other names: c.1460A>G, p.Glu487Gly (NM_001353899.1); c.1457A>G, p.Glu486Gly (NM_001353900.1); c.1049A>G, p.Glu350Gly (NM_001353903.1); c.950A>G, p.Glu317Gly (NM_001353904.1); c.1382A>G, p.Glu461Gly (NM_001367621.1); c.1166A>G, p.Glu389Gly (NM_031303.3); short protein forms E317G, E350G, E389G, E461G, E486G, E487G.
Identifiers: ClinVar variation 3052860 (VCV003052860.2), dbSNP rs1017218906, ClinGen allele CA402393335.
Genomic context (GRCh38, chr18:47,100,261, plus strand): 5'-TGGCCAGGAGCATTCTGCCCACTGACCAATGGCTGGTTTTTTGGCTGTTTCAGGAGACTG[A>G]GGGCTACTCAGGCTCAGATATTAAGCTCGTCTGCAGGGAAGCAGCCATGCGGCCCGTGAG-3'
Protein context (NP_001374619.1, residues 451-471): LEYSVLSQET[Glu461Gly]GYSGSDIKLV